The following is an entry in ClinVar:

ClinVar aggregate classification (germline): Uncertain significance (1 of 4 stars; one submission).

Conditions:
Developmental and epileptic encephalopathy 98. Identifiers: MedGen C5562017, MONDO:0030472, OMIM 619605.

Submission:

3billion
Classification: Uncertain significance for Developmental and epileptic encephalopathy 98. Last evaluated: 2024-03-12. Review status: criteria provided, single submitter. Criteria: ACMG Guidelines, 2015. Collection method: clinical testing. Allele origin: germline. Affected: yes.
Comment: The variant is not observed in the gnomAD v2.1.1 dataset. Predicted Consequence/Location: Missense changes are a common disease-causing mechanism. In silico tool predictions suggest damaging effect of the variant on gene or gene product [REVEL: 0.76 (>=0.6, sensitivity 0.68 and specificity 0.92); 3Cnet: 0.78 (>=0.6, sensitivity 0.72 and precision 0.9)]. Therefore, this variant is classified as VUS according to the recommendation of ACMG/AMP guideline.

NM_000702.4(ATP1A2):c.2092A>G (p.Ile698Val)

Gene: ATP1A2 (ATPase Na+/K+ transporting subunit alpha 2; plus strand). Cytogenetic location: 1q23.2.
Variant type: single nucleotide variant.
Coding change: c.2092A>G on transcript NM_000702.4 (MANE Select); coding-DNA position 2092, A replaced by G.
Protein change: p.Ile698Val; replaces isoleucine 698 with valine.
Molecular consequence: missense variant.
Genome position (GRCh38, 1-based): chr1:160,135,272, A>G. VCF-style: chr1-160135272-A-G. GRCh37 (hg19) VCF-style: chr1-160105062-A-G.
Other names: short protein forms I698V.
Identifiers: ClinVar variation 3776299 (VCV003776299.1).